The following is an entry in ClinVar:

ClinVar aggregate classification (germline): Uncertain significance. Review status: criteria provided, multiple submitters, no conflicts (2 of 4 stars). 2 submissions from 2 submitters: Uncertain significance (2). Last evaluated 2023-10-08.

Conditions:
Familial cancer of breast. Also called: BREAST CANCER, FAMILIAL; Hereditary breast cancer; hereditary breast carcinoma. Identifiers: Orphanet 227535, MedGen C0346153, MONDO:0016419, OMIM 114480. Disease mechanism: loss of function.
Hereditary cancer-predisposing syndrome. Also called: Neoplastic Syndromes, Hereditary; Tumor predisposition; Hereditary neoplastic syndrome; Hereditary Cancer Syndrome. Identifiers: Orphanet 140162, MedGen C0027672, MeSH D009386, MONDO:0015356.

Submissions (2):

Labcorp Genetics (formerly Invitae), Labcorp
Classification: Uncertain significance for Familial cancer of breast. Last evaluated: 2023-10-08. Review status: criteria provided, single submitter. Criteria: Invitae Variant Classification Sherloc (09022015). Collection method: clinical testing. Allele origin: germline.
Comment: This sequence change replaces proline, which is neutral and non-polar, with alanine, which is neutral and non-polar, at codon 182 of the CHEK2 protein (p.Pro182Ala). This variant is not present in population databases (gnomAD no frequency). This variant has not been reported in the literature in individuals affected with CHEK2-related conditions. ClinVar contains an entry for this variant (Variation ID: 2452084). An algorithm developed to predict the effect of missense changes on protein structure and function (PolyPhen-2) suggests that this variant is likely to be tolerated. In summary, the available evidence is currently insufficient to determine the role of this variant in disease. Therefore, it has been classified as a Variant of Uncertain Significance.

Ambry Genetics
Classification: Uncertain significance for Hereditary cancer-predisposing syndrome. Last evaluated: 2023-02-06. Review status: criteria provided, single submitter. Criteria: Ambry Variant Classification Scheme 2023. Collection method: clinical testing. Allele origin: germline.
Comment: The p.P182A variant (also known as c.544C>G), located in coding exon 3 of the CHEK2 gene, results from a C to G substitution at nucleotide position 544. The proline at codon 182 is replaced by alanine, an amino acid with highly similar properties. This amino acid position is conserved. In addition, the in silico prediction for this alteration is inconclusive. Since supporting evidence is limited at this time, the clinical significance of this alteration remains unclear.

NM_007194.4(CHEK2):c.544C>G (p.Pro182Ala)

Gene: CHEK2 (checkpoint kinase 2; minus strand). Cytogenetic location: 22q12.1.
Variant type: single nucleotide variant.
Coding change: c.544C>G on transcript NM_007194.4 (MANE Select); coding-DNA position 544, C replaced by G.
Protein change: p.Pro182Ala; replaces proline 182 with alanine.
Molecular consequence: missense variant. On other transcripts: 5 prime UTR variant (2), intron variant (1).
Genome position (GRCh38, 1-based): chr22:28,725,025, G>C on the plus strand (C>G on the coding strand, the complement: CHEK2 is on the minus strand). VCF-style: chr22-28725025-G-C. GRCh37 (hg19) VCF-style: chr22-29121013-G-C.
Other names: c.673C>G, p.Pro225Ala (NM_001005735.3, NM_001438294.1); c.-234C>G (NM_001257387.3); c.-120C>G (NM_001437942.1); c.637C>G, p.Pro213Ala (NM_001438293.1, NM_001438295.1); c.544C>G, p.Pro182Ala (NM_145862.3); c.445-102C>G (NM_001349956.3); short protein forms P182A, P225A, P213A.
Identifiers: ClinVar variation 2452084 (VCV002452084.5), dbSNP rs786203973, ClinGen allele CA411107201.